The following is an entry in ClinVar:

NM_022437.3(ABCG8):c.1462A>G (p.Thr488Ala)

Gene: ABCG8 (ATP binding cassette subfamily G member 8; plus strand). Cytogenetic location: 2p21.
Variant type: single nucleotide variant.
Coding change: c.1462A>G on transcript NM_022437.3 (MANE Select); coding-DNA position 1462, A replaced by G.
Protein change: p.Thr488Ala; replaces threonine 488 with alanine.
Molecular consequence: missense variant.
Genome position (GRCh38, 1-based): chr2:43,874,457, A>G. VCF-style: chr2-43874457-A-G. GRCh37 (hg19) VCF-style: chr2-44101596-A-G.
Other names: c.1459A>G, p.Thr487Ala (NM_001357321.2); short protein forms T488A, T487A.
Identifiers: ClinVar variation 3129907 (VCV003129907.3), dbSNP rs776497214, ClinGen allele CA1637464.

ClinVar aggregate classification (germline): Uncertain significance. Review status: criteria provided, multiple submitters, no conflicts (2 of 4 stars). 2 submissions from 2 submitters: Uncertain significance (2). Last evaluated 2025-08-12.

Conditions:
Cardiovascular phenotype. Identifiers: MedGen CN230736.
Sitosterolemia 1. Identifiers: MedGen C2749759, MONDO:0020747, OMIM 210250.

Allele frequency attached by ClinVar (database versions not stated): gnomAD 0.00001; ExAC 0.00002; gnomAD exomes 0.00002.
gnomAD v4.1: 10 of 1,613,796 alleles (0.00062%); highest among the groups gnomAD compares: Admixed American, 0.015%; no homozygotes.

Submissions (2):

Ambry Genetics
Classification: Uncertain significance for Cardiovascular phenotype. Last evaluated: 2025-08-12. Review status: criteria provided, single submitter. Criteria: Ambry Variant Classification Scheme 2023. Collection method: clinical testing. Allele origin: germline.
Comment: The p.T488A variant (also known as c.1462A>G), located in coding exon 10 of the ABCG8 gene, results from an A to G substitution at nucleotide position 1462. The threonine at codon 488 is replaced by alanine, an amino acid with similar properties. This amino acid position is conserved. In addition, this alteration is predicted to be tolerated by in silico analysis. Based on the available evidence, the clinical significance of this variant remains unclear.

Revvity Omics, Revvity
Classification: Uncertain significance for Sitosterolemia 1. Last evaluated: 2023-09-04. Review status: criteria provided, single submitter. Criteria: ACMG Guidelines, 2015. Collection method: clinical testing. Allele origin: germline.